The following is an entry in ClinVar:

NM_006516.4(SLC2A1):c.921dup (p.Tyr308fs)

Gene: SLC2A1 (solute carrier family 2 member 1; minus strand). Cytogenetic location: 1p34.2.
Variant type: Duplication.
Coding change: c.921dup on transcript NM_006516.4 (MANE Select); coding-DNA position 921, one base duplicated (G; older notation c.921dupG).
Protein change: p.Tyr308fs; shifts the reading frame from tyrosine 308.
Molecular consequence: frameshift variant.
Genome position (GRCh38, 1-based): chr1:42,929,261, C duplicated on the plus strand (G on the coding strand, the reverse complement: SLC2A1 is on the minus strand). VCF-style (leftmost placement, unchanged base first): chr1-42929260-A-AC. GRCh37 (hg19) VCF-style: chr1-43394931-A-AC.
Other names: short protein forms Y308fs.
Identifiers: ClinVar variation 4057322 (VCV004057322.1).

ClinVar aggregate classification (germline): Pathogenic (1 of 4 stars; one submission).

Conditions:
Encephalopathy due to GLUT1 deficiency. Also called: GLUCOSE TRANSPORT DEFECT, BLOOD-BRAIN BARRIER; De Vivo disease; Glucose transporter protein syndrome; GLUT1 deficiency syndrome 1; GLUT1 deficiency syndrome 1, infantile onset, severe; Classic Glucose Transporter Type 1 Deficiency Syndrome. Identifiers: Orphanet 71277, MedGen C4551966, MONDO:0011724, OMIM 606777.

Submission:

Unidad de Genómica Garrahan, Hospital de Pediatría Garrahan
Classification: Pathogenic for Encephalopathy due to GLUT1 deficiency. Last evaluated: 2025-06-24. Review status: criteria provided, single submitter. Criteria: ACMG Guidelines, 2015. Collection method: clinical testing. Allele origin: unknown. Affected: yes. Observed: 1 variant allele.
Comment: PP4_Moderate, PVS1_Very_Strong, PM2_Moderate